The following is an entry in ClinVar:

NM_006231.4(POLE):c.3102_3103del (p.Asn1036fs)

Gene: POLE (DNA polymerase epsilon, catalytic subunit; minus strand). Cytogenetic location: 12q24.33.
Variant type: Deletion.
Coding change: c.3102_3103del on transcript NM_006231.4 (MANE Select); coding-DNA positions 3102 to 3103, 2 bases deleted (TG; older notation c.3102_3103delTG).
Protein change: p.Asn1036fs; shifts the reading frame from asparagine 1036.
Molecular consequence: frameshift variant.
Genome position (GRCh38, 1-based): chr12:132,659,467-132,659,468, CA deleted on the plus strand (TG on the coding strand, the reverse complement: POLE is on the minus strand). VCF-style (leftmost placement, unchanged base first): chr12-132659466-TCA-T. GRCh37 (hg19) VCF-style: chr12-133236052-TCA-T.
Other names: short protein forms N1036fs.
Identifiers: ClinVar variation 4141218 (VCV004141218.2).

ClinVar aggregate classification (germline): Conflicting classifications of pathogenicity. Review status: criteria provided, conflicting classifications (1 of 4 stars). 2 submissions from 2 submitters: Pathogenic (1); Uncertain significance (1). Last evaluated 2025-09-15.

Conditions:
Hereditary cancer-predisposing syndrome. Also called: Hereditary neoplastic syndrome; Neoplastic Syndromes, Hereditary; Tumor predisposition; Hereditary Cancer Syndrome. Identifiers: Orphanet 140162, MedGen C0027672, MeSH D009386, MONDO:0015356.

Submissions (2):

Labcorp Genetics (formerly Invitae), Labcorp
Classification: Pathogenic. Last evaluated: 2025-09-15. Review status: criteria provided, single submitter. Criteria: Invitae Variant Classification Sherloc (09022015). Collection method: clinical testing. Allele origin: germline.
Comment: This sequence change creates a premature translational stop signal (p.Asn1036Profs*87) in the POLE gene. It is expected to result in an absent or disrupted protein product. Loss-of-function variants in POLE are known to be pathogenic (PMID: 23230001, 25948378, 30503519). This variant is present in population databases (rs766829623, gnomAD 0.003%). This variant has not been reported in the literature in individuals affected with POLE-related conditions. For these reasons, this variant has been classified as Pathogenic.

Ambry Genetics
Classification: Uncertain significance for Hereditary cancer-predisposing syndrome. Last evaluated: 2025-09-05. Review status: criteria provided, single submitter. Criteria: Ambry Variant Classification Scheme 2023. Collection method: clinical testing. Allele origin: germline.
Comment: The c.3102_3103delTG variant, located in coding exon 26 of the POLE gene, results from a deletion of two nucleotides at nucleotide positions 3102 to 3103, causing a translational frameshift with a predicted alternate stop codon (p.N1036Pfs*87). This alteration is expected to result in loss of function by premature protein truncation or nonsense-mediated mRNA decay. Although biallelic loss of function of POLE has been associated with autosomal recessive POLE deficiency, haploinsufficiency of POLE has not been established as a mechanism of disease for POLE-related polymerase proofreading-associated polyposis (PPAP) and POLE-related CMMRD-like syndrome. Based on the supporting evidence, this variant is expected to be causative of POLE deficiency when present along with a second pathogenic variant on the other allele; however, its clinical significance for PPAP and POLE-related CMMRD-like syndrome is unclear.

Literature cited by the submitters: PubMed 23230001 (cited by Labcorp Genetics (formerly Invitae), Labcorp); PubMed 25948378 (cited by Labcorp Genetics (formerly Invitae), Labcorp); PubMed 30503519 (cited by Labcorp Genetics (formerly Invitae), Labcorp).